The following is an entry in ClinVar:

NM_001942.4(DSG1):c.3118A>C (p.Thr1040Pro)

Genes: DSG1 (desmoglein 1; plus strand), DSG1-AS1 (DSG1 antisense RNA 1; minus strand). Cytogenetic location: 18q12.1.
Variant type: single nucleotide variant.
Coding change: c.3118A>C on transcript NM_001942.4 (MANE Select); coding-DNA position 3118, A replaced by C.
Protein change: p.Thr1040Pro; replaces threonine 1040 with proline.
Molecular consequence: missense variant.
Genome position (GRCh38, 1-based): chr18:31,355,314, A>C. VCF-style: chr18-31355314-A-C. GRCh37 (hg19) VCF-style: chr18-28935277-A-C.
Other names: short protein forms T1040P.
Identifiers: ClinVar variation 1369693 (VCV001369693.8), dbSNP rs2144129003, ClinGen allele CA402126075.

ClinVar aggregate classification (germline): Uncertain significance (1 of 4 stars; one submission).

Submission:

Labcorp Genetics (formerly Invitae), Labcorp
Classification: Uncertain significance. Last evaluated: 2021-07-25. Review status: criteria provided, single submitter. Criteria: Invitae Variant Classification Sherloc (09022015). Collection method: clinical testing. Allele origin: germline.
Comment: This sequence change replaces threonine with proline at codon 1040 of the DSG1 protein (p.Thr1040Pro). The threonine residue is highly conserved and there is a small physicochemical difference between threonine and proline. This variant is not present in population databases (ExAC no frequency). In summary, the available evidence is currently insufficient to determine the role of this variant in disease. Therefore, it has been classified as a Variant of Uncertain Significance. Algorithms developed to predict the effect of missense changes on protein structure and function (SIFT, PolyPhen-2, Align-GVGD) all suggest that this variant is likely to be disruptive. This variant has not been reported in the literature in individuals affected with DSG1-related conditions.